The following is an entry in ClinVar:

ClinVar aggregate classification (germline): Uncertain significance. Review status: criteria provided, multiple submitters, no conflicts (2 of 4 stars). 2 submissions from 2 submitters: Uncertain significance (2). Last evaluated 2026-01-06.

Conditions:
HADHA-related disorder. Also called: HADHA-related condition; HADHA-related disorders.
Mitochondrial trifunctional protein deficiency. Identifiers: Orphanet 746, MedGen C1969443, MONDO:0012172.
Long chain 3-hydroxyacyl-CoA dehydrogenase deficiency. Also called: Deficiency of long-chain 3-hydroxyacyl-coenzyme A dehydrogenase; LCHAD Deficiency. Identifiers: Orphanet 5, MedGen C3711645, MONDO:0012173, OMIM 609016.

Allele frequency attached by ClinVar (database versions not stated): TOPMed 0.00002.
gnomAD v4.1: 1 of 1,613,964 alleles (0.000062%); highest among the groups gnomAD compares: Non-Finnish European, 0.000085%; no homozygotes.

Submissions (2):

Labcorp Genetics (formerly Invitae), Labcorp
Classification: Uncertain significance for Mitochondrial trifunctional protein deficiency; Long chain 3-hydroxyacyl-CoA dehydrogenase deficiency. Last evaluated: 2026-01-06. Review status: criteria provided, single submitter. Criteria: Invitae Variant Classification Sherloc (09022015). Collection method: clinical testing. Allele origin: germline.
Comment: This sequence change replaces glycine, which is neutral and non-polar, with arginine, which is basic and polar, at codon 147 of the HADHA protein (p.Gly147Arg). This variant is not present in population databases (gnomAD no frequency). This variant has not been reported in the literature in individuals affected with HADHA-related conditions. ClinVar contains an entry for this variant (Variation ID: 2635620). Invitae Evidence Modeling of protein sequence and biophysical properties (such as structural, functional, and spatial information, amino acid conservation, physicochemical variation, residue mobility, and thermodynamic stability) indicates that this missense variant is expected to disrupt HADHA protein function with a positive predictive value of 80%. In summary, the available evidence is currently insufficient to determine the role of this variant in disease. Therefore, it has been classified as a Variant of Uncertain Significance.

PreventionGenetics, part of Exact Sciences
Classification: Uncertain significance for HADHA-related condition. Last evaluated: 2022-11-14. Review status: criteria provided, single submitter. Criteria: ACMG Guidelines, 2015. Collection method: clinical testing. Allele origin: germline.
Comment: The HADHA c.439G>A variant is predicted to result in the amino acid substitution p.Gly147Arg. To our knowledge, this variant has not been reported in the literature or in a large population database, indicating this variant is rare. At this time, the clinical significance of this variant is uncertain due to the absence of conclusive functional and genetic evidence.

NM_000182.5(HADHA):c.439G>A (p.Gly147Arg)

Gene: HADHA (hydroxyacyl-CoA dehydrogenase trifunctional multienzyme complex subunit alpha; minus strand). Cytogenetic location: 2p23.3.
Variant type: single nucleotide variant.
Coding change: c.439G>A on transcript NM_000182.5 (MANE Select); coding-DNA position 439, G replaced by A.
Protein change: p.Gly147Arg; replaces glycine 147 with arginine.
Molecular consequence: missense variant.
Genome position (GRCh38, 1-based): chr2:26,234,231, C>T on the plus strand (G>A on the coding strand, the complement: HADHA is on the minus strand). VCF-style: chr2-26234231-C-T. GRCh37 (hg19) VCF-style: chr2-26457099-C-T.
Other names: short protein forms G147R.
Identifiers: ClinVar variation 2635620 (VCV002635620.2), dbSNP rs1460602961, ClinGen allele CA346093393.